The following is an entry in ClinVar:

ClinVar aggregate classification (germline): Uncertain significance. Review status: criteria provided, multiple submitters, no conflicts (2 of 4 stars). 2 submissions from 2 submitters: Uncertain significance (2). Last evaluated 2024-04-25.

Conditions:
Fanconi anemia complementation group A (FANCA). Also called: Fanconi anemia, group A; FANCA-Related Fanconi Anemia. Identifiers: Orphanet 84, MedGen C3469521, MONDO:0009215, OMIM 227650.
Fanconi anemia (FA). Also called: Fanconi's anemia. Identifiers: Orphanet 84, MedGen C0015625, MeSH D005199, MONDO:0019391.

Allele frequency attached by ClinVar (database versions not stated): gnomAD 0.00001; TOPMed 0.00001; ESP Exome Variant Server 0.00008.
gnomAD v4.1: 18 of 1,613,830 alleles (0.0011%); highest among the groups gnomAD compares: Middle Eastern, 0.033%; no homozygotes.

Submissions (2):

Fulgent Genetics
Classification: Uncertain significance for Fanconi anemia complementation group A. Last evaluated: 2024-04-25. Review status: criteria provided, single submitter. Criteria: ACMG Guidelines, 2015. Collection method: clinical testing. Allele origin: germline.

Labcorp Genetics (formerly Invitae), Labcorp
Classification: Uncertain significance for Fanconi anemia. Last evaluated: 2022-04-22. Review status: criteria provided, single submitter. Criteria: Invitae Variant Classification Sherloc (09022015). Collection method: clinical testing. Allele origin: germline.
Comment: This sequence change falls in intron 19 of the FANCA gene. It does not directly change the encoded amino acid sequence of the FANCA protein. This variant is present in population databases (rs375148599, gnomAD 0.0009%). This variant has not been reported in the literature in individuals affected with FANCA-related conditions. Algorithms developed to predict the effect of sequence changes on RNA splicing suggest that this variant may disrupt the consensus splice site. In summary, the available evidence is currently insufficient to determine the role of this variant in disease. Therefore, it has been classified as a Variant of Uncertain Significance.

NM_000135.4(FANCA):c.1777-7C>A

Gene: FANCA (FA complementation group A; minus strand). Cytogenetic location: 16q24.3.
Variant type: single nucleotide variant.
Coding change: c.1777-7C>A on transcript NM_000135.4 (MANE Select); 7 bases into the intron before coding-DNA position 1777, C replaced by A.
Molecular consequence: intron variant.
Genome position (GRCh38, 1-based): chr16:89,778,857, G>T on the plus strand (C>A on the coding strand, the complement: FANCA is on the minus strand). VCF-style: chr16-89778857-G-T. GRCh37 (hg19) VCF-style: chr16-89845265-G-T.
Other names: c.1777-7C>A (NM_001286167.3).
Identifiers: ClinVar variation 2193529 (VCV002193529.2), dbSNP rs375148599, ClinGen allele CA286573998.